The following is an entry in ClinVar:

NM_024642.5(GALNT12):c.702C>T (p.His234=)

Gene: GALNT12 (polypeptide N-acetylgalactosaminyltransferase 12; plus strand). Cytogenetic location: 9q22.33.
Variant type: single nucleotide variant.
Coding change: c.702C>T on transcript NM_024642.5 (MANE Select); coding-DNA position 702, C replaced by T.
Protein change: p.His234=; no amino-acid change (histidine 234 retained).
Molecular consequence: synonymous variant.
Genome position (GRCh38, 1-based): chr9:98,826,912, C>T. VCF-style: chr9-98826912-C-T. GRCh37 (hg19) VCF-style: chr9-101589194-C-T.
Identifiers: ClinVar variation 826783 (VCV000826783.11), dbSNP rs760069331, ClinGen allele CA5154025.

ClinVar aggregate classification (germline): Benign/Likely benign. Review status: criteria provided, multiple submitters, no conflicts (2 of 4 stars). 4 submissions from 4 submitters: Benign (1); Likely benign (3). Last evaluated 2026-04-24.

Conditions:
Colorectal cancer, susceptibility to, 1. Also called: COLORECTAL ADENOMA AND CANCER, SUSCEPTIBILITY TO; COLORECTAL CANCER, SUSCEPTIBILITY TO, ON CHROMOSOME 9. Identifiers: MedGen C1837315, MONDO:0012132, OMIM 608812.

Allele frequency attached by ClinVar (database versions not stated): ExAC 0.00003.
gnomAD v4.1: 13 of 1,573,128 alleles (0.00083%); highest among the groups gnomAD compares: South Asian, 0.0035%; no homozygotes.

Submissions (4):

Myriad Genetics, Inc.
Classification: Benign for Colorectal cancer, susceptibility to, 1. Last evaluated: 2026-04-24. Review status: criteria provided, single submitter. Criteria: Myriad Autosomal Dominant, Autosomal Recessive and X-Linked Classification Criteria (2023). Collection method: clinical testing. Allele origin: unknown.
Comment: This variant is considered benign. This variant is a silent/synonymous amino acid change and it is not expected to impact splicing.

Department of Pathology and Laboratory Medicine, Sinai Health System
Classification: Likely benign for Colorectal cancer, susceptibility to, 1. Last evaluated: 2022-09-08. Review status: criteria provided, single submitter. Criteria: ACMG Guidelines, 2015. Collection method: clinical testing. Allele origin: germline. Affected: yes.

Labcorp Genetics (formerly Invitae), Labcorp
Classification: Likely benign. Last evaluated: 2022-05-31. Review status: criteria provided, single submitter. Criteria: Invitae Variant Classification Sherloc (09022015). Collection method: clinical testing. Allele origin: germline.

Ambry Genetics
Classification: Likely benign. Last evaluated: 2019-04-16. Review status: criteria provided, single submitter. Criteria: Ambry Variant Classification Scheme 2023. Collection method: clinical testing. Allele origin: germline.